The following is an entry in ClinVar:

NM_001386140.1(MTTP):c.310G>T (p.Gly104Ter)

Gene: MTTP (microsomal triglyceride transfer protein; plus strand). Cytogenetic location: 4q23.
Variant type: single nucleotide variant.
Coding change: c.310G>T on transcript NM_001386140.1 (MANE Select); coding-DNA position 310, G replaced by T.
Protein change: p.Gly104Ter; replaces glycine 104 with a stop codon.
Molecular consequence: nonsense.
Genome position (GRCh38, 1-based): chr4:99,583,434, G>T. VCF-style: chr4-99583434-G-T. GRCh37 (hg19) VCF-style: chr4-100504591-G-T.
Other names: c.310G>T, p.Gly104Ter (NM_000253.4); c.61G>T, p.Gly21Ter (NM_001300785.2); short protein forms G104*, G21*.
Identifiers: ClinVar variation 4817991 (VCV004817991.1).

ClinVar aggregate classification (germline): Likely pathogenic (1 of 4 stars; one submission).

Conditions:
Abetalipoproteinaemia (ABL). Also called: MTP DEFICIENCY; Abetalipoproteinemia; Abetalipoproteinemia neuropathy; Apolipoprotein B deficiency; Congenital betalipoprotein deficiency syndrome. Identifiers: Orphanet 14, MedGen C0000744, MONDO:0008692, OMIM 200100, HP:0008181.

Submission:

Natera, Inc.
Classification: Likely pathogenic for Abetalipoproteinemia. Last evaluated: 2025-11-30. Review status: criteria provided, single submitter. Criteria: Natera Variant Classification Schema (03/2026). Collection method: clinical testing. Allele origin: germline.
Comment: The c.310G>T variant in MTTP is a nonsense variant predicted to introduce a stop codon at amino acid 104. This variant is expected to result in nonsense mediated decay, truncation, or a dysfunctional protein product. This variant is rare in the general population with a frequency below the threshold expected for the associated phenotype(s). Given the available evidence, this variant is classified as Likely Pathogenic.